The following is an entry in ClinVar:

NM_198271.5(LMOD3):c.1621G>A (p.Asp541Asn)

Gene: LMOD3 (leiomodin 3; minus strand). Cytogenetic location: 3p14.1.
Variant type: single nucleotide variant.
Coding change: c.1621G>A on transcript NM_198271.5 (MANE Select); coding-DNA position 1621, G replaced by A.
Protein change: p.Asp541Asn; replaces aspartic acid 541 with asparagine.
Molecular consequence: missense variant.
Genome position (GRCh38, 1-based): chr3:69,118,734, C>T on the plus strand (G>A on the coding strand, the complement: LMOD3 is on the minus strand). VCF-style: chr3-69118734-C-T. GRCh37 (hg19) VCF-style: chr3-69167885-C-T.
Other names: c.1621G>A, p.Asp541Asn (NM_001304418.3); short protein forms D541N.
Identifiers: ClinVar variation 2201328 (VCV002201328.1), dbSNP rs765871892, ClinGen allele CA2488719.

ClinVar aggregate classification (germline): Uncertain significance (1 of 4 stars; one submission).

Conditions:
Nemaline myopathy 10 (NEM10). Identifiers: MedGen C4015360, MONDO:0014513, OMIM 616165.

Allele frequency attached by ClinVar (database versions not stated): gnomAD 0.00001; ExAC 0.00002; gnomAD exomes 0.00002; TOPMed 0.00002.
gnomAD v4.1: 24 of 1,612,534 alleles (0.0015%); highest among the groups gnomAD compares: South Asian, 0.0033%; no homozygotes.

Submission:

Labcorp Genetics (formerly Invitae), Labcorp
Classification: Uncertain significance for Nemaline myopathy 10. Last evaluated: 2021-09-24. Review status: criteria provided, single submitter. Criteria: Invitae Variant Classification Sherloc (09022015). Collection method: clinical testing. Allele origin: germline.
Comment: This sequence change replaces aspartic acid with asparagine at codon 541 of the LMOD3 protein (p.Asp541Asn). The aspartic acid residue is highly conserved and there is a small physicochemical difference between aspartic acid and asparagine. This variant is present in population databases (rs765871892, ExAC 0.006%). This variant has not been reported in the literature in individuals with LMOD3-related conditions. Algorithms developed to predict the effect of missense changes on protein structure and function are either unavailable or do not agree on the potential impact of this missense change (SIFT: "Deleterious"; PolyPhen-2: "Probably Damaging"; Align-GVGD: "Class C0"). In summary, the available evidence is currently insufficient to determine the role of this variant in disease. Therefore, it has been classified as a Variant of Uncertain Significance.